The following is an entry in ClinVar:

NM_001042492.3(NF1):c.74C>T (p.Thr25Ile)

Gene: NF1 (neurofibromin 1; plus strand). Cytogenetic location: 17q11.2.
Variant type: single nucleotide variant.
Coding change: c.74C>T on transcript NM_001042492.3 (MANE Select); coding-DNA position 74, C replaced by T.
Protein change: p.Thr25Ile; replaces threonine 25 with isoleucine.
Molecular consequence: missense variant.
Genome position (GRCh38, 1-based): chr17:31,155,996, C>T. VCF-style: chr17-31155996-C-T. GRCh37 (hg19) VCF-style: chr17-29483014-C-T.
Other names: c.74C>T, p.Thr25Ile (NM_000267.4, NM_001128147.3); short protein forms T25I.
Identifiers: ClinVar variation 480097 (VCV000480097.16), dbSNP rs1555604874, ClinGen allele CA398988104.
Genomic context (GRCh38, chr17:31,155,996, plus strand): 5'-TTTTAAGGATAAGCTGTTAACGTGTTTTTTTTTTCTTTTTTTTTCAGCTTCCAATAAAAA[C>T]AGGACAGCAGAACACACATACCAAAGTCAGTACTGAGCACAACAAGGAATGTCTAATCAA-3'
Protein context (NP_001035957.1, residues 15-35): SRFDEQLPIK[Thr25Ile]GQQNTHTKVS

ClinVar aggregate classification (germline): Conflicting classifications of pathogenicity. Review status: criteria provided, conflicting classifications (1 of 4 stars). 8 submissions from 7 submitters: Uncertain significance (7); Benign (1). Last evaluated 2025-09-04.

Conditions:
Hereditary cancer-predisposing syndrome. Also called: Hereditary neoplastic syndrome; Neoplastic Syndromes, Hereditary; Tumor predisposition; Hereditary Cancer Syndrome. Identifiers: Orphanet 140162, MedGen C0027672, MeSH D009386, MONDO:0015356.
NF1-related disorder. Also called: NF1-related condition. Identifiers: MedGen CN379171.
Cardiovascular phenotype. Identifiers: MedGen CN230736.
Neurofibromatosis, type 1 (NF1). Also called: VON RECKLINGHAUSEN DISEASE; Peripheral type neurofibromatosis; NEUROFIBROMATOSIS, TYPE I, SOMATIC; Neurofibromatosis, type I. Identifiers: Orphanet 636, MedGen C0027831, MONDO:0018975, OMIM 162200. Disease mechanism: loss of function.

Allele frequency attached by ClinVar (database versions not stated): gnomAD exomes below 0.00001.
gnomAD v4.1: 5 of 1,596,798 alleles (0.00031%); highest among the groups gnomAD compares: Non-Finnish European, 0.00034%; no homozygotes.

Submissions (8):

Women's Health and Genetics/Laboratory Corporation of America, LabCorp
Classification: Uncertain significance. Last evaluated: 2025-09-04. Review status: criteria provided, single submitter. Criteria: LabCorp Variant Classification Summary - May 2015. Collection method: clinical testing. Allele origin: germline.
Comment: Variant summary: NF1 c.74C>T (p.Thr25Ile) results in a non-conservative amino acid change in the encoded protein sequence. Algorithms developed to predict the effect of missense changes on protein structure and function are either unavailable or do not agree on the potential impact of this missense change. The variant was absent in 250506 control chromosomes. The available data on variant occurrences in the general population are insufficient to allow any conclusion about variant significance. To our knowledge, no occurrence of c.74C>T in individuals affected with NF1-related conditions and no experimental evidence demonstrating its impact on protein function have been reported. ClinVar contains an entry for this variant (Variation ID: 480097). Based on the evidence outlined above, the variant was classified as uncertain significance.

Labcorp Genetics (formerly Invitae), Labcorp
Classification: Benign for Neurofibromatosis, type 1. Last evaluated: 2025-05-19. Review status: criteria provided, single submitter. Criteria: Invitae Variant Classification Sherloc (09022015). Collection method: clinical testing. Allele origin: germline.

Molecular Pathology, Peter Maccallum Cancer Centre
Classification: Uncertain significance for Neurofibromatosis, type 1. Last evaluated: 2024-10-31. Review status: criteria provided, single submitter. Criteria: ACMG Guidelines, 2015. Collection method: clinical testing. Allele origin: germline. Inheritance: Autosomal dominant inheritance.

Quest Diagnostics Nichols Institute San Juan Capistrano
Classification: Uncertain significance. Last evaluated: 2024-02-07. Review status: criteria provided, single submitter. Criteria: Quest Diagnostics criteria. Collection method: clinical testing. Allele origin: unknown.

PreventionGenetics, part of Exact Sciences
Classification: Uncertain significance for NF1-related condition. Last evaluated: 2022-09-08. Review status: criteria provided, single submitter. Criteria: ACMG Guidelines, 2015. Collection method: clinical testing. Allele origin: germline.
Comment: The NF1 c.74C>T variant is predicted to result in the amino acid substitution p.Thr25Ile. To our knowledge, this variant has not been reported in the literature or in a large population database, indicating this variant is rare. In ClinVar, this variant is interpreted as uncertain. At this time, the clinical significance of this variant is uncertain due to the absence of conclusive functional and genetic evidence.

Genome-Nilou Lab
Classification: Uncertain significance for Neurofibromatosis, type 1. Last evaluated: 2022-03-15. Review status: criteria provided, single submitter. Criteria: ACMG Guidelines, 2015. Collection method: clinical testing. Allele origin: germline. Affected: no.

Ambry Genetics
Classification: Uncertain significance for Cardiovascular phenotype; Hereditary cancer-predisposing syndrome. Last evaluated: 2020-09-30. Review status: criteria provided, single submitter. Criteria: Ambry Variant Classification Scheme 2023. Collection method: clinical testing. Allele origin: germline.

Ambry Genetics
Classification: Uncertain significance for Hereditary cancer-predisposing syndrome. Last evaluated: 2016-02-23. Review status: criteria provided, single submitter. Criteria: Ambry Autosomal Dominant and X-Linked criteria (10/2015). Collection method: clinical testing. Allele origin: germline. Observed: 1 variant allele.
Comment: The p.T25I variant (also known as c.74C>T), located in coding exon 2 of the NF1 gene, results from a C to T substitution at nucleotide position 74. The threonine at codon 25 is replaced by isoleucine, an amino acid with similar properties. This variant was not reported in population based cohorts in the following databases: Database of Single Nucleotide Polymorphisms (dbSNP), NHLBI Exome Sequencing Project (ESP), and 1000 Genomes Project. In the ESP, this variant was not observed in 6503 samples (13006 alleles) with coverage at this position. To date, this alteration has been detected with an allele frequency of approximately 0.001% (greater than 110000alleles tested) in our clinical cohort.This amino acid position is not well conserved in available vertebrate species. In addition, this alteration is predicted to be tolerated by in silico analysis.Since supporting evidence is limited at this time, the clinical significance of this alterationremains unclear.

Literature cited by the submitters: PubMed 36031433 (cited by Quest Diagnostics Nichols Institute San Juan Capistrano).